The following is an entry in ClinVar:

ClinVar aggregate classification (germline): Pathogenic/Likely pathogenic. Review status: criteria provided, multiple submitters, no conflicts (2 of 4 stars). 3 submissions from 3 submitters: Pathogenic (2); Likely pathogenic (1). Last evaluated 2026-03-12.

Conditions:
Hereditary cancer-predisposing syndrome. Also called: Neoplastic Syndromes, Hereditary; Tumor predisposition; Hereditary Cancer Syndrome; Hereditary neoplastic syndrome. Identifiers: Orphanet 140162, MedGen C0027672, MeSH D009386, MONDO:0015356.
Familial cancer of breast. Also called: BREAST CANCER, FAMILIAL; Hereditary breast cancer; hereditary breast carcinoma. Identifiers: Orphanet 227535, MedGen C0346153, MONDO:0016419, OMIM 114480. Disease mechanism: loss of function.
Hereditary breast ovarian cancer syndrome. Also called: Hereditary breast and ovarian cancer syndrome; Breast and ovarian cancer; Hereditary breast and ovarian cancer; Hereditary breast and/or ovarian cancer syndrome; BRCA1- and BRCA2-Associated Hereditary Breast and Ovarian Cancer; Hereditary breast and ovarian cancer syndrome (HBOC). Identifiers: Orphanet 145, MedGen C0677776, MeSH D061325, MONDO:0003582. Disease mechanism: loss of function.

Submissions (3):

Ambry Genetics
Classification: Pathogenic for Hereditary cancer-predisposing syndrome. Last evaluated: 2026-03-12. Review status: criteria provided, single submitter. Criteria: Ambry Variant Classification Scheme 2023. Collection method: clinical testing. Allele origin: germline.
Comment: The c.9581dupC pathogenic mutation, located in coding exon 25 of the BRCA2 gene, results from a duplication of C at nucleotide position 9581, causing a translational frameshift with a predicted alternate stop codon (p.T3195Nfs*2). This variant is considered to be rare based on population cohorts in the Genome Aggregation Database (gnomAD). This alteration is expected to result in loss of function by premature protein truncation or nonsense-mediated mRNA decay. As such, this alteration is interpreted as a disease-causing mutation.

Baylor Genetics
Classification: Likely pathogenic for Familial cancer of breast. Last evaluated: 2022-12-05. Review status: criteria provided, single submitter. Criteria: ACMG Guidelines, 2015. Collection method: clinical testing. Allele origin: unknown.

Labcorp Genetics (formerly Invitae), Labcorp
Classification: Pathogenic for Hereditary breast ovarian cancer syndrome. Last evaluated: 2022-08-26. Review status: criteria provided, single submitter. Criteria: Invitae Variant Classification Sherloc (09022015). Collection method: clinical testing. Allele origin: germline.
Comment: For these reasons, this variant has been classified as Pathogenic. This variant has not been reported in the literature in individuals affected with BRCA2-related conditions. This variant is not present in population databases (gnomAD no frequency). This sequence change creates a premature translational stop signal (p.Thr3195Asnfs*2) in the BRCA2 gene. It is expected to result in an absent or disrupted protein product. Loss-of-function variants in BRCA2 are known to be pathogenic (PMID: 20104584).

Literature cited by the submitters: PubMed 20104584 (cited by Labcorp Genetics (formerly Invitae), Labcorp).

NM_000059.4(BRCA2):c.9581dup (p.Thr3195fs)

Gene: BRCA2 (BRCA2 DNA repair associated; plus strand). Cytogenetic location: 13q13.1.
Variant type: Duplication.
Coding change: c.9581dup on transcript NM_000059.4 (MANE Select); coding-DNA position 9581, one base duplicated (C; older notation c.9581dupC).
Protein change: p.Thr3195fs; shifts the reading frame from threonine 3195.
Molecular consequence: frameshift variant.
Genome position (GRCh38, 1-based): chr13:32,396,977, C duplicated; the last of 4 consecutive C bases (chr13:32,396,974-32,396,977); duplicating any one gives the same sequence. VCF-style (leftmost placement, unchanged base first): chr13-32396973-A-AC. GRCh37 (hg19) VCF-style: chr13-32971110-A-AC.
Other names: c.9485dup, p.Thr3163Asnfs (NM_001406719.1); c.9530dup, p.Thr3178Asnfs (NM_001406720.1); c.4649dup, p.Thr1551Asnfs (NM_001406721.1); c.3164dup, p.Thr1056Asnfs (NM_001406722.1); c.9581dupC (NM_000059.3); short protein forms T3195fs.
Identifiers: ClinVar variation 2025823 (VCV002025823.6), dbSNP rs80359771, ClinGen allele CA2580087411.